The following is an entry in ClinVar:

ClinVar aggregate classification (germline): Uncertain significance (1 of 4 stars; one submission).

Conditions:
Peutz-Jeghers syndrome (PJS). Also called: Peutz-Jeghers polyposis; Periorificial lentiginosis syndrome; POLYPOSIS, HAMARTOMATOUS INTESTINAL; POLYPS-AND-SPOTS SYNDROME. Identifiers: Orphanet 2869, MedGen C0031269, MeSH D010580, MONDO:0008280, OMIM 175200.

Submission:

Labcorp Genetics (formerly Invitae), Labcorp
Classification: Uncertain significance for Peutz-Jeghers syndrome. Last evaluated: 2025-05-12. Review status: criteria provided, single submitter. Criteria: Invitae Variant Classification Sherloc (09022015). Collection method: clinical testing. Allele origin: germline.
Comment: This sequence change replaces aspartic acid, which is acidic and polar, with glutamic acid, which is acidic and polar, at codon 23 of the STK11 protein (p.Asp23Glu). This variant is not present in population databases (gnomAD no frequency). This variant has not been reported in the literature in individuals affected with STK11-related conditions. ClinVar contains an entry for this variant (Variation ID: 964217). Invitae Evidence Modeling of protein sequence and biophysical properties (such as structural, functional, and spatial information, amino acid conservation, physicochemical variation, residue mobility, and thermodynamic stability) has been performed for this missense variant. However, the output from this modeling did not meet the statistical confidence thresholds required to predict the impact of this variant on STK11 protein function. In summary, the available evidence is currently insufficient to determine the role of this variant in disease. Therefore, it has been classified as a Variant of Uncertain Significance.

NM_000455.5(STK11):c.69C>A (p.Asp23Glu)

Gene: STK11 (serine/threonine kinase 11; plus strand). Cytogenetic location: 19p13.3.
Variant type: single nucleotide variant.
Coding change: c.69C>A on transcript NM_000455.5 (MANE Select); coding-DNA position 69, C replaced by A.
Protein change: p.Asp23Glu; replaces aspartic acid 23 with glutamic acid.
Molecular consequence: missense variant.
Genome position (GRCh38, 1-based): chr19:1,206,982, C>A. VCF-style: chr19-1206982-C-A. GRCh37 (hg19) VCF-style: chr19-1206981-C-A.
Other names: short protein forms D23E.
Identifiers: ClinVar variation 964217 (VCV000964217.9), dbSNP rs1599914867, ClinGen allele CA402943466.